The following is an entry in ClinVar:

ClinVar aggregate classification (germline): Uncertain significance (1 of 4 stars; one submission).

Conditions:
Charcot-Marie-Tooth disease axonal type 2V. Also called: CHARCOT-MARIE-TOOTH NEUROPATHY, TYPE 2V; CHARCOT-MARIE-TOOTH DISEASE, AXONAL, AUTOSOMAL DOMINANT, TYPE 2V. Identifiers: Orphanet 447964, MedGen C5569050, MONDO:0014665, OMIM 616491.
Mucopolysaccharidosis, MPS-III-B (MPS3B). Also called: MPS IIIB (Sanfilippo Syndrome Type B); N-ACETYL-ALPHA-D-GLUCOSAMINIDASE DEFICIENCY; NAGLU DEFICIENCY; MUCOPOLYSACCHARIDOSIS, TYPE IIIB; Mucopolysaccharidosis type IIIB (Sanfilippo B); SANFILIPPO SYNDROME B. Identifiers: Orphanet 79270, MedGen C0086648, MONDO:0009656, OMIM 252920.

Submission:

Labcorp Genetics (formerly Invitae), Labcorp
Classification: Uncertain significance for Charcot-Marie-Tooth disease axonal type 2V; Mucopolysaccharidosis, MPS-III-B. Last evaluated: 2021-08-31. Review status: criteria provided, single submitter. Criteria: Invitae Variant Classification Sherloc (09022015). Collection method: clinical testing. Allele origin: germline.
Comment: This sequence change replaces leucine with phenylalanine at codon 378 of the NAGLU protein (p.Leu378Phe). The leucine residue is moderately conserved and there is a small physicochemical difference between leucine and phenylalanine. This variant is not present in population databases (ExAC no frequency). This variant has not been reported in the literature in individuals affected with NAGLU-related conditions. Advanced modeling of protein sequence and biophysical properties (such as structural, functional, and spatial information, amino acid conservation, physicochemical variation, residue mobility, and thermodynamic stability) performed at Invitae indicates that this missense variant is expected to disrupt NAGLU protein function. In summary, the available evidence is currently insufficient to determine the role of this variant in disease. Therefore, it has been classified as a Variant of Uncertain Significance.

NM_000263.4(NAGLU):c.1132C>T (p.Leu378Phe)

Gene: NAGLU (N-acetyl-alpha-glucosaminidase; plus strand). Cytogenetic location: 17q21.2.
Variant type: single nucleotide variant.
Coding change: c.1132C>T on transcript NM_000263.4 (MANE Select); coding-DNA position 1132, C replaced by T.
Protein change: p.Leu378Phe; replaces leucine 378 with phenylalanine.
Molecular consequence: missense variant.
Genome position (GRCh38, 1-based): chr17:42,543,138, C>T. VCF-style: chr17-42543138-C-T. GRCh37 (hg19) VCF-style: chr17-40695156-C-T.
Other names: short protein forms L378F.
Identifiers: ClinVar variation 1400415 (VCV001400415.6), dbSNP rs2143107974, ClinGen allele CA399601195.